The following is an entry in ClinVar:

NM_000264.5(PTCH1):c.863G>A (p.Gly288Asp)

Gene: PTCH1 (patched 1; minus strand). Cytogenetic location: 9q22.32.
Variant type: single nucleotide variant.
Coding change: c.863G>A on transcript NM_000264.5 (MANE Select); coding-DNA position 863, G replaced by A.
Protein change: p.Gly288Asp; replaces glycine 288 with aspartic acid.
Molecular consequence: missense variant. On other transcripts: non-coding transcript variant (1).
Genome position (GRCh38, 1-based): chr9:95,480,472, C>T on the plus strand (G>A on the coding strand, the complement: PTCH1 is on the minus strand). VCF-style: chr9-95480472-C-T. GRCh37 (hg19) VCF-style: chr9-98242754-C-T.
Other names: c.665G>A, p.Gly222Asp (NM_001083602.3); c.860G>A, p.Gly287Asp (NM_001083603.3); c.410G>A, p.Gly137Asp (NM_001083604.3, NM_001083605.3, NM_001083606.3 and 1 more transcripts); c.863G>A, p.Gly288Asp (NM_001354918.2); short protein forms G287D, G288D, G137D, G222D.
Identifiers: ClinVar variation 2136795 (VCV002136795.5), dbSNP rs1178742053, ClinGen allele CA374113974.
Genomic context (GRCh38, chr9:95,480,472, plus strand): 5'-GCTGTGGCGGGGCAGTCTGGATCGGCCGGATTGAGGCAGGGGCGGTCCATGTAACCATGA[C>T]CAACCTCAGCCTTATTCAGCATTTCCTCCCAGCTGTCCACTTGATAGTTTATTTTCTTTA-3'
Protein context (NP_000255.2, residues 278-298): WEEMLNKAEV[Gly288Asp]HGYMDRPCLN

ClinVar aggregate classification (germline): Uncertain significance. Review status: criteria provided, multiple submitters, no conflicts (2 of 4 stars). 2 submissions from 2 submitters: Uncertain significance (2). Last evaluated 2026-01-11.

Conditions:
Hereditary cancer-predisposing syndrome. Also called: Tumor predisposition; Hereditary Cancer Syndrome; Hereditary neoplastic syndrome; Neoplastic Syndromes, Hereditary. Identifiers: Orphanet 140162, MedGen C0027672, MeSH D009386, MONDO:0015356.
Gorlin syndrome. Also called: Basal cell nevus syndrome; Nevoid Basal Cell Carcinoma Syndrome. Identifiers: Orphanet 377, MedGen C0004779, MONDO:0007187.

gnomAD v4.1: 1 of 1,612,416 alleles (0.000062%); highest among the groups gnomAD compares: Non-Finnish European, 0.000085%; no homozygotes.

Submissions (2):

Labcorp Genetics (formerly Invitae), Labcorp
Classification: Uncertain significance for Gorlin syndrome. Last evaluated: 2026-01-11. Review status: criteria provided, single submitter. Criteria: Invitae Variant Classification Sherloc (09022015). Collection method: clinical testing. Allele origin: germline.
Comment: This sequence change replaces glycine, which is neutral and non-polar, with aspartic acid, which is acidic and polar, at codon 288 of the PTCH1 protein (p.Gly288Asp). This variant is not present in population databases (gnomAD no frequency). This missense change has been observed in individual(s) with basal cell nevus syndrome who also had a de novo pathogenic variant on the same allele (PMID: 18502968, 20068110). ClinVar contains an entry for this variant (Variation ID: 2136795). Invitae Evidence Modeling of protein sequence and biophysical properties (such as structural, functional, and spatial information, amino acid conservation, physicochemical variation, residue mobility, and thermodynamic stability) has been performed for this missense variant. However, the output from this modeling did not meet the statistical confidence thresholds required to predict the impact of this variant on PTCH1 protein function. In summary, the available evidence is currently insufficient to determine the role of this variant in disease. Therefore, it has been classified as a Variant of Uncertain Significance.

Ambry Genetics
Classification: Uncertain significance for Hereditary cancer-predisposing syndrome. Last evaluated: 2024-02-07. Review status: criteria provided, single submitter. Criteria: Ambry Variant Classification Scheme 2023. Collection method: clinical testing. Allele origin: germline.
Comment: The p.G288D variant (also known as c.863G>A), located in coding exon 6 of the PTCH1 gene, results from a G to A substitution at nucleotide position 863. The glycine at codon 288 is replaced by aspartic acid, an amino acid with similar properties. This alteration has been reported in an individual with nevoid basal cell carcinoma syndrome (NBCCS), in conjunction with a PTCH1 de novo frameshift alteration (Sun LS et al. J Dent Res, 2008 Jun;87:575-9). This amino acid position is highly conserved in available vertebrate species. In addition, this alteration is predicted to be deleterious by in silico analysis. Based on the available evidence, the clinical significance of this alteration remains unclear.

Literature cited by the submitters: PubMed 18502968 (cited by Labcorp Genetics (formerly Invitae), Labcorp and Ambry Genetics); PubMed 20068110 (cited by Labcorp Genetics (formerly Invitae), Labcorp).